The following is an entry in ClinVar:

NM_024101.7(MLPH):c.318del (p.Cys107fs)

Gene: MLPH (melanophilin; plus strand). Cytogenetic location: 2q37.3.
Variant type: Deletion.
Coding change: c.318del on transcript NM_024101.7 (MANE Select); coding-DNA position 318, one base deleted (C; older notation c.318delC).
Protein change: p.Cys107fs; shifts the reading frame from cysteine 107.
Molecular consequence: frameshift variant. On other transcripts: non-coding transcript variant (1).
Genome position (GRCh38, 1-based): chr2:237,510,781, C deleted; the last of 4 consecutive C bases (chr2:237,510,778-237,510,781); deleting any one gives the same sequence. VCF-style (leftmost placement, unchanged base first): chr2-237510777-AC-A. GRCh37 (hg19) VCF-style: chr2-238419420-AC-A.
Other names: c.318del, p.Cys107fs (NM_001042467.3, NM_001281473.2, NM_001281474.2); short protein forms C107fs.
Identifiers: ClinVar variation 2772757 (VCV002772757.3), dbSNP rs2469629371, ClinGen allele CA2697550609.
Genomic context (GRCh38, chr2:237,510,777, plus strand): 5'-GCCTCTTCACCTGCAAAAGCTGTGGCCGCGTCCACCCGGAGGAGCAGGGCTGGATCTGTG[AC>A]CCCTGCCATCTGGCCAGGTGAGCCCAGGCCTTGAGGTAAAATGACCTTGATAGTTTCTGG-3'

ClinVar aggregate classification (germline): Pathogenic (1 of 4 stars; one submission).

Submission:

Labcorp Genetics (formerly Invitae), Labcorp
Classification: Pathogenic. Last evaluated: 2023-10-29. Review status: criteria provided, single submitter. Criteria: Invitae Variant Classification Sherloc (09022015). Collection method: clinical testing. Allele origin: germline.
Comment: This sequence change creates a premature translational stop signal (p.Cys107Alafs*7) in the MLPH gene. It is expected to result in an absent or disrupted protein product. Loss-of-function variants in MLPH are known to be pathogenic (PMID: 22711375, 32864751). This variant is not present in population databases (gnomAD no frequency). This variant has not been reported in the literature in individuals affected with MLPH-related conditions. For these reasons, this variant has been classified as Pathogenic.

Literature cited by the submitters: PubMed 22711375; PubMed 32864751.